The following is an entry in ClinVar:

ClinVar aggregate classification (germline): Benign (1 of 4 stars; one submission).

Allele frequency attached by ClinVar (database versions not stated): 1000 Genomes Project 0.05970; 1000 Genomes Project 30x 0.06027; TOPMed 0.08647; gnomAD 0.08991; gnomAD exomes 0.11724.

Submission:

Unidad de Genómica Garrahan, Hospital de Pediatría Garrahan
Classification: Benign. Last evaluated: 2024-01-24. Review status: criteria provided, single submitter. Criteria: ACMG Guidelines, 2015. Collection method: clinical testing. Allele origin: germline. Affected: no. Observed: 18 variant alleles.
Comment: This variant is classified as Benign based on local population frequency. This variant was detected in 20% of patients studied by a panel of primary immunodeficiencies. Number of patients: 18. Only high quality variants are reported.

NM_001040458.3(ERAP1):c.*298_*299insCA

Gene: ERAP1 (endoplasmic reticulum aminopeptidase 1; minus strand). Cytogenetic location: 5q15.
Variant type: Insertion.
Coding change: c.*298_*299insCA on transcript NM_001040458.3 (MANE Select); 298 bases downstream of the stop codon through 299 bases downstream of the stop codon, CA inserted.
Molecular consequence: 3 prime UTR variant. On other transcripts: intron variant (2).
Genome position: GRCh38 VCF-style: chr5-96776097-C-CTG. GRCh37 (hg19) VCF-style: chr5-96111801-C-CTG.
Other names: c.*298_*299insCA (NM_001198541.3); c.2818+306_2818+307insCA (NM_001349244.2, NM_016442.5).
Identifiers: ClinVar variation 2688513 (VCV002688513.2), dbSNP rs148692674, ClinGen allele CA3351768.